The following is an entry in ClinVar:

NM_006348.5(COG5):c.2215T>A (p.Leu739Met)

Gene: COG5 (component of oligomeric golgi complex 5; minus strand). Cytogenetic location: 7q22.3.
Variant type: single nucleotide variant.
Coding change: c.2215T>A on transcript NM_006348.5 (MANE Select); coding-DNA position 2215, T replaced by A.
Protein change: p.Leu739Met; replaces leucine 739 with methionine.
Molecular consequence: missense variant. On other transcripts: intron variant (1).
Genome position (GRCh38, 1-based): chr7:107,211,179, A>T on the plus strand (T>A on the coding strand, the complement: COG5 is on the minus strand). VCF-style: chr7-107211179-A-T. GRCh37 (hg19) VCF-style: chr7-106851624-A-T.
Other names: c.2215T>A, p.Leu739Met (NM_001161520.2); c.2053T>A, p.Leu685Met (NM_001379511.1); c.2041T>A, p.Leu681Met (NM_001379512.1); c.1900T>A, p.Leu634Met (NM_001379514.1); c.1645T>A, p.Leu549Met (NM_001379515.1); c.1501T>A, p.Leu501Met (NM_001379516.1); c.2152T>A, p.Leu718Met (NM_181733.4); c.2169-7549T>A (NM_001379513.1); and 1 more; short protein forms L685M, L739M, L681M, L501M, L634M, L718M, L549M.
Identifiers: ClinVar variation 1415822 (VCV001415822.9), dbSNP rs374796275, ClinGen allele CA368839925.

ClinVar aggregate classification (germline): Uncertain significance. Review status: criteria provided, multiple submitters, no conflicts (2 of 4 stars). 2 submissions from 2 submitters: Uncertain significance (2). Last evaluated 2025-08-21.

Conditions:
Inborn genetic diseases. Identifiers: MedGen C0950123, MeSH D030342.
COG5-congenital disorder of glycosylation. Also called: CDG IIi; CONGENITAL DISORDER OF GLYCOSYLATION, TYPE IIi; COG5-CDG. Identifiers: Orphanet 263487, MedGen C3150876, MONDO:0013325, OMIM 613612.

gnomAD v4.1: 2 of 1,614,004 alleles (0.00012%); highest among the groups gnomAD compares: Admixed American, 0.0017%; no homozygotes.

Submissions (2):

Ambry Genetics
Classification: Uncertain significance for Inborn genetic diseases. Last evaluated: 2025-08-21. Review status: criteria provided, single submitter. Criteria: Ambry Variant Classification Scheme 2023. Collection method: clinical testing. Allele origin: germline.

Labcorp Genetics (formerly Invitae), Labcorp
Classification: Uncertain significance for COG5-congenital disorder of glycosylation. Last evaluated: 2022-10-03. Review status: criteria provided, single submitter. Criteria: Invitae Variant Classification Sherloc (09022015). Collection method: clinical testing. Allele origin: germline.
Comment: This sequence change replaces leucine, which is neutral and non-polar, with methionine, which is neutral and non-polar, at codon 770 of the COG5 protein (p.Leu770Met). In summary, the available evidence is currently insufficient to determine the role of this variant in disease. Therefore, it has been classified as a Variant of Uncertain Significance. Algorithms developed to predict the effect of missense changes on protein structure and function are either unavailable or do not agree on the potential impact of this missense change (SIFT: "Tolerated"; PolyPhen-2: "Possibly Damaging"; Align-GVGD: "Class C0"). ClinVar contains an entry for this variant (Variation ID: 1415822). This variant has not been reported in the literature in individuals affected with COG5-related conditions. This variant is not present in population databases (gnomAD no frequency).